The following is an entry in ClinVar:

ClinVar aggregate classification (germline): Uncertain significance (1 of 4 stars; one submission).

Conditions:
Immunodeficiency 23 (IMD23). Also called: IMMUNODEFICIENCY WITH HYPER IgE AND COGNITIVE IMPAIRMENT; IMMUNODEFICIENCY-VASCULITIS-MYOCLONUS SYNDROME. Identifiers: Orphanet 443811, MedGen C4014371, MONDO:0014353, OMIM 615816.

Allele frequency attached by ClinVar (database versions not stated): gnomAD exomes below 0.00001.
gnomAD v4.1: 1 of 1,613,916 alleles (0.000062%); highest among the groups gnomAD compares: South Asian, 0.0011%; no homozygotes.

Submission:

Labcorp Genetics (formerly Invitae), Labcorp
Classification: Uncertain significance for Immunodeficiency 23. Last evaluated: 2022-10-13. Review status: criteria provided, single submitter. Criteria: Invitae Variant Classification Sherloc (09022015). Collection method: clinical testing. Allele origin: germline.
Comment: This sequence change falls in intron 13 of the PGM3 gene. It does not directly change the encoded amino acid sequence of the PGM3 protein. It affects a nucleotide within the consensus splice site. This variant is present in population databases (no rsID available, gnomAD 0.003%). This variant has not been reported in the literature in individuals affected with PGM3-related conditions. Variants that disrupt the consensus splice site are a relatively common cause of aberrant splicing (PMID: 17576681, 9536098). Algorithms developed to predict the effect of sequence changes on RNA splicing suggest that this variant is not likely to affect RNA splicing. In summary, the available evidence is currently insufficient to determine the role of this variant in disease. Therefore, it has been classified as a Variant of Uncertain Significance.

Literature cited by the submitters: PubMed 17576681; PubMed 9536098.

NM_015599.3(PGM3):c.1539+4A>G

Genes: DOP1A (DOP1 leucine zipper like protein A; plus strand), PGM3 (phosphoglucomutase 3; minus strand). Cytogenetic location: 6q14.1.
Variant type: single nucleotide variant.
Coding change: c.1539+4A>G on transcript NM_015599.3 (MANE Select); 4 bases into the intron after coding-DNA position 1539, A replaced by G.
Molecular consequence: intron variant. On other transcripts: non-coding transcript variant (1), missense variant (1).
Genome position (GRCh38, 1-based): chr6:83,170,301, T>C on the plus strand (A>G on the coding strand, the complement: PGM3 is on the minus strand). VCF-style: chr6-83170301-T-C. GRCh37 (hg19) VCF-style: chr6-83880020-T-C.
Other names: c.1300A>G, p.Arg434Gly (NM_001199918.2); c.1623+4A>G (NM_001199917.2, NM_001367287.1); c.1416+4A>G (NM_001367286.1); c.1539+4A>G (NM_001199919.2); short protein forms R434G.
Identifiers: ClinVar variation 2129972 (VCV002129972.1), dbSNP rs1407162971, ClinGen allele CA364878196.
Genomic context (GRCh38, chr6:83,170,301, plus strand): 5'-AAAATAGTTTGCCTGCCCATCACCTAATATTAGGCTCTTTTTCAATAGAACTATCCCAGC[T>C]TACTTGTGAGTCTGCTTCTGCATATACTCGGACGACATCTTCTGTACCAGAGGGCCGGAC-3'